The following is an entry in ClinVar:

NM_004360.5(CDH1):c.602dup (p.Val202fs)

Gene: CDH1 (cadherin 1; plus strand). Cytogenetic location: 16q22.1.
Variant type: Duplication.
Coding change: c.602dup on transcript NM_004360.5 (MANE Select); coding-DNA position 602, one base duplicated (C; older notation c.602dupC).
Protein change: p.Val202fs; shifts the reading frame from valine 202.
Molecular consequence: frameshift variant. On other transcripts: 5 prime UTR variant (2).
Genome position (GRCh38, 1-based): chr16:68,808,763, C duplicated; the last of 5 consecutive C bases (chr16:68,808,759-68,808,763); duplicating any one gives the same sequence. VCF-style (leftmost placement, unchanged base first): chr16-68808758-A-AC. GRCh37 (hg19) VCF-style: chr16-68842661-A-AC.
Other names: c.602dup, p.Val202fs (NM_001317184.2); c.-1014dup (NM_001317185.2); c.-1218dup (NM_001317186.2); short protein forms V202fs.
Identifiers: ClinVar variation 2583199 (VCV002583199.2), dbSNP rs2543915964, ClinGen allele CA645596613.
Genomic context (GRCh38, chr16:68,808,758, plus strand): 5'-ATCCAACAAAGACAAAGAAGGCAAGGTTTTCTACAGCATCACTGGCCAAGGAGCTGACAC[A>AC]CCCCCTGTTGGTGTCTTTATTATTGAAAGAGAAACAGGATGGCTGAAGGTGACAGAGCCT-3'

ClinVar aggregate classification (germline): Pathogenic (1 of 4 stars; one submission).

Conditions:
Hereditary diffuse gastric adenocarcinoma (HDGC). Also called: DIFFUSE GASTRIC AND LOBULAR BREAST CANCER SYNDROME. Identifiers: Orphanet 26106, MedGen C1708349, MONDO:0007648, OMIM 137215.

Submission:

Myriad Genetics, Inc.
Classification: Pathogenic for Hereditary diffuse gastric adenocarcinoma. Last evaluated: 2023-06-09. Review status: criteria provided, single submitter. Criteria: Myriad Autosomal Dominant, Autosomal Recessive and X-Linked Classification Criteria (2023). Collection method: clinical testing. Allele origin: unknown.
Comment: This variant is considered pathogenic. This variant creates a frameshift predicted to result in premature protein truncation.